The following is an entry in ClinVar:

NM_003737.4(DCHS1):c.9883G>C (p.Glu3295Gln)

Gene: DCHS1 (dachsous cadherin-related 1; minus strand). Cytogenetic location: 11p15.4.
Variant type: single nucleotide variant.
Coding change: c.9883G>C on transcript NM_003737.4 (MANE Select); coding-DNA position 9883, G replaced by C.
Protein change: p.Glu3295Gln; replaces glutamic acid 3295 with glutamine.
Molecular consequence: missense variant.
Genome position (GRCh38, 1-based): chr11:6,621,793, C>G on the plus strand (G>C on the coding strand, the complement: DCHS1 is on the minus strand). VCF-style: chr11-6621793-C-G. GRCh37 (hg19) VCF-style: chr11-6643024-C-G.
Other names: c.9883G>C (NM_003737.2); short protein forms E3295Q.
Identifiers: ClinVar variation 1463397 (VCV001463397.7), dbSNP rs773543020, ClinGen allele CA5859156.
Genomic context (GRCh38, chr11:6,621,793, plus strand): 5'-GGGGACACTGTGCGCATCCCAGGTCGGGGCCCAGCCTGGGCCACAGCTAGATGTGCAGCT[C>G]CGTGTCATCAGGTGGCTCCAGGCCAGACTCTGCGCTGAGTGCTGAGGCTGAGGGACCCTG-3'
Protein context (NP_003728.1, residues 3285-3298): ESGLEPPDDT[Glu3295Gln]LHI

ClinVar aggregate classification (germline): Uncertain significance. Review status: criteria provided, multiple submitters, no conflicts (2 of 4 stars). 2 submissions from 2 submitters: Uncertain significance (2). Last evaluated 2021-11-10.

Conditions:
Inborn genetic diseases. Identifiers: MedGen C0950123, MeSH D030342.

Allele frequency attached by ClinVar (database versions not stated): gnomAD exomes 0.00001; gnomAD 0.00002; ExAC 0.00006.
gnomAD v4.1: 21 of 1,589,352 alleles (0.0013%); highest among the groups gnomAD compares: South Asian, 0.019%; no homozygotes.

Submissions (2):

Labcorp Genetics (formerly Invitae), Labcorp
Classification: Uncertain significance. Last evaluated: 2021-11-10. Review status: criteria provided, single submitter. Criteria: Invitae Variant Classification Sherloc (09022015). Collection method: clinical testing. Allele origin: germline.
Comment: This sequence change replaces glutamic acid, which is acidic and polar, with glutamine, which is neutral and polar, at codon 3295 of the DCHS1 protein (p.Glu3295Gln). This variant is present in population databases (rs773543020, gnomAD 0.008%). In summary, the available evidence is currently insufficient to determine the role of this variant in disease. Therefore, it has been classified as a Variant of Uncertain Significance. Advanced modeling of protein sequence and biophysical properties (such as structural, functional, and spatial information, amino acid conservation, physicochemical variation, residue mobility, and thermodynamic stability) performed at Invitae indicates that this missense variant is not expected to disrupt DCHS1 protein function. This variant has not been reported in the literature in individuals affected with DCHS1-related conditions.

Ambry Genetics
Classification: Uncertain significance for Inborn genetic diseases. Last evaluated: 2021-11-09. Review status: criteria provided, single submitter. Criteria: Ambry Variant Classification Scheme 2023. Collection method: clinical testing. Allele origin: germline.